The following is an entry in ClinVar:

NM_001754.5(RUNX1):c.613+12C>T

Genes: RUNX1 (RUNX family transcription factor 1; minus strand), RUNX1-AS1 (RUNX1 antisense RNA 1; plus strand). Cytogenetic location: 21q22.12.
Variant type: single nucleotide variant.
Coding change: c.613+12C>T on transcript NM_001754.5 (MANE Select); 12 bases into the intron after coding-DNA position 613, C replaced by T.
Molecular consequence: intron variant.
Genome position (GRCh38, 1-based): chr21:34,859,462, G>A on the plus strand (C>T on the coding strand, the complement: RUNX1 is on the minus strand). VCF-style: chr21-34859462-G-A. GRCh37 (hg19) VCF-style: chr21-36231759-G-A.
Other names: c.532+12C>T (NM_001001890.3, NM_001122607.2).
Identifiers: ClinVar variation 2759147 (VCV002759147.7), dbSNP rs2146234027, ClinGen allele CA2697547493.

ClinVar aggregate classification (germline): Likely benign. Review status: reviewed by expert panel (3 of 4 stars). 3 submissions from 3 submitters: Likely benign (1). 2 of the submissions do not count toward it. Last evaluated 2026-05-04.

Conditions:
Hereditary thrombocytopenia and hematologic cancer predisposition syndrome. Identifiers: Orphanet 71290, MedGen CN281654, MONDO:0011071.
Hereditary thrombocytopenia and hematological cancer predisposition syndrome associated with RUNX1. Also called: PLATELET DISORDER, ASPIRIN-LIKE; Familial Platelet Disorder with Propensity to Acute Myelogenous Leukemia; Familial thrombocytopenia with propensity to acute myelogenous leukemia; RUNX1 Familial Platelet Disorder with Associated Myeloid Malignancies. Identifiers: Orphanet 71290, MedGen C1832388, MeSH C563324, MONDO:0100083, OMIM 601399.

Submissions (3):

ClinGen Myeloid Malignancy Variant Curation Expert Panel
Classification: Likely benign for Hereditary thrombocytopenia and hematologic cancer predisposition syndrome. Last evaluated: 2026-05-04. Review status: reviewed by expert panel. Criteria: ClinGen MyeloMalig ACMG Specifications V3.1. Collection method: curation. Allele origin: germline. Inheritance: Autosomal dominant inheritance.
Comment: NM_001754.5(RUNX1):c.613+12C>T is an intronic variant which has a SpliceAI score ≤ 0.20 (0.00) (BP4, BP7). This variant is completely absent from all population databases with at least 20x coverage for RUNX1 (PM2_supporting). In summary, this variant meets criteria to be classified as likely benign. ACMG/AMP criteria applied, as specified by the Myeloid Malignancy Variant Curation Expert Panel for RUNX1: BP4, BP7, PM2_supporting.

Labcorp Genetics (formerly Invitae), Labcorp
Classification: Likely benign for Hereditary thrombocytopenia and hematological cancer predisposition syndrome associated with RUNX1. Last evaluated: 2023-09-08. Review status: criteria provided, single submitter. Criteria: Invitae Variant Classification Sherloc (09022015). Collection method: clinical testing. Allele origin: germline. Not counted in ClinVar's aggregate classification.

Blueprint Genetics
Classification: Likely benign. Last evaluated: 2020-10-29. Review status: criteria provided, single submitter. Criteria: ACMG Guidelines, 2015. Collection method: clinical testing. Allele origin: germline. Not counted in ClinVar's aggregate classification.